The following is an entry in ClinVar:

ClinVar aggregate classification (germline): Uncertain significance (1 of 4 stars; one submission).

Conditions:
Hereditary cancer-predisposing syndrome. Also called: Tumor predisposition; Hereditary Cancer Syndrome; Hereditary neoplastic syndrome; Neoplastic Syndromes, Hereditary. Identifiers: Orphanet 140162, MedGen C0027672, MeSH D009386, MONDO:0015356.

Allele frequency attached by ClinVar (database versions not stated): gnomAD exomes below 0.00001.
gnomAD v4.1: 1 of 1,608,230 alleles (0.000062%); highest among the groups gnomAD compares: Non-Finnish European, 0.000085%; no homozygotes.

Submission:

Ambry Genetics
Classification: Uncertain significance for Hereditary cancer-predisposing syndrome. Last evaluated: 2023-08-25. Review status: criteria provided, single submitter. Criteria: Ambry Variant Classification Scheme 2023. Collection method: clinical testing. Allele origin: germline.
Comment: The p.A599D variant (also known as c.1796C>A), located in coding exon 12 of the BRIP1 gene, results from a C to A substitution at nucleotide position 1796. The alanine at codon 599 is replaced by aspartic acid, an amino acid with dissimilar properties. This amino acid position is conserved. In addition, the in silico prediction for this alteration is inconclusive. Since supporting evidence is limited at this time, the clinical significance of this alteration remains unclear.

NM_032043.3(BRIP1):c.1796C>A (p.Ala599Asp)

Gene: BRIP1 (BRCA1 interacting DNA helicase 1; minus strand). Cytogenetic location: 17q23.2.
Variant type: single nucleotide variant.
Coding change: c.1796C>A on transcript NM_032043.3 (MANE Select); coding-DNA position 1796, C replaced by A.
Protein change: p.Ala599Asp; replaces alanine 599 with aspartic acid.
Molecular consequence: missense variant.
Genome position (GRCh38, 1-based): chr17:61,780,400, G>T on the plus strand (C>A on the coding strand, the complement: BRIP1 is on the minus strand). VCF-style: chr17-61780400-G-T. GRCh37 (hg19) VCF-style: chr17-59857761-G-T.
Other names: short protein forms A599D.
Identifiers: ClinVar variation 2626397 (VCV002626397.2), dbSNP rs2145081917, ClinGen allele CA400480231.